The following is an entry in ClinVar:

ClinVar aggregate classification (germline): Uncertain significance (1 of 4 stars; one submission).

Allele frequency attached by ClinVar (database versions not stated): gnomAD 0.00001.
gnomAD v4.1: 1 of 1,611,526 alleles (0.000062%); highest among the groups gnomAD compares: Non-Finnish European, 0.000085%; no homozygotes.

Submission:

Labcorp Genetics (formerly Invitae), Labcorp
Classification: Uncertain significance. Last evaluated: 2023-10-13. Review status: criteria provided, single submitter. Criteria: Invitae Variant Classification Sherloc (09022015). Collection method: clinical testing. Allele origin: germline.
Comment: This sequence change replaces leucine, which is neutral and non-polar, with phenylalanine, which is neutral and non-polar, at codon 108 of the SCN3A protein (p.Leu108Phe). This variant is not present in population databases (gnomAD no frequency). This variant has not been reported in the literature in individuals affected with SCN3A-related conditions. ClinVar contains an entry for this variant (Variation ID: 1964704). Advanced modeling of protein sequence and biophysical properties (such as structural, functional, and spatial information, amino acid conservation, physicochemical variation, residue mobility, and thermodynamic stability) has been performed at Invitae for this missense variant, however the output from this modeling did not meet the statistical confidence thresholds required to predict the impact of this variant on SCN3A protein function. In summary, the available evidence is currently insufficient to determine the role of this variant in disease. Therefore, it has been classified as a Variant of Uncertain Significance.

NM_006922.4(SCN3A):c.324G>C (p.Leu108Phe)

Gene: SCN3A (sodium voltage-gated channel alpha subunit 3; minus strand). Cytogenetic location: 2q24.3.
Variant type: single nucleotide variant.
Coding change: c.324G>C on transcript NM_006922.4 (MANE Select); coding-DNA position 324, G replaced by C.
Protein change: p.Leu108Phe; replaces leucine 108 with phenylalanine.
Molecular consequence: missense variant.
Genome position (GRCh38, 1-based): chr2:165,170,489, C>G on the plus strand (G>C on the coding strand, the complement: SCN3A is on the minus strand). VCF-style: chr2-165170489-C-G. GRCh37 (hg19) VCF-style: chr2-166026999-C-G.
Other names: c.324G>C, p.Leu108Phe (NM_001081676.2, NM_001081677.2); short protein forms L108F.
Identifiers: ClinVar variation 1964704 (VCV001964704.5), dbSNP rs1311693375, ClinGen allele CA349240542.